The following is an entry in ClinVar:

ClinVar aggregate classification (germline): Uncertain significance. Review status: criteria provided, single submitter (1 of 4 stars). 2 submissions from 2 submitters: Uncertain significance (1). 1 of the submissions does not count toward it. Last evaluated 2025-05-05.

Conditions:
Autosomal recessive limb-girdle muscular dystrophy type 2C (LGMDR5). Also called: MUSCULAR DYSTROPHY, DUCHENNE-LIKE; MUSCULAR DYSTROPHY, LIMB-GIRDLE, AUTOSOMAL RECESSIVE 5. Identifiers: Orphanet 353, MedGen C0410173, MONDO:0009677, OMIM 253700. Disease mechanism: Affects gamma-sarcoglycan and also disrupts the integrity of the entire sarcoglycan complex..

Allele frequency attached by ClinVar (database versions not stated): TOPMed 0.00002; ESP Exome Variant Server 0.00008; 1000 Genomes Project 0.00040; 1000 Genomes Project 30x 0.00047.
gnomAD v4.1: 19 of 1,614,006 alleles (0.0012%); highest among the groups gnomAD compares: African/African-American, 0.016%; no homozygotes.

Submissions (2):

Labcorp Genetics (formerly Invitae), Labcorp
Classification: Uncertain significance for Autosomal recessive limb-girdle muscular dystrophy type 2C. Last evaluated: 2025-05-05. Review status: criteria provided, single submitter. Criteria: Invitae Variant Classification Sherloc (09022015). Collection method: clinical testing. Allele origin: germline.
Comment: This sequence change replaces histidine, which is basic and polar, with tyrosine, which is neutral and polar, at codon 177 of the SGCG protein (p.His177Tyr). This variant is present in population databases (rs375592456, gnomAD 0.04%). This variant has not been reported in the literature in individuals affected with SGCG-related conditions. ClinVar contains an entry for this variant (Variation ID: 966298). Invitae Evidence Modeling of protein sequence and biophysical properties (such as structural, functional, and spatial information, amino acid conservation, physicochemical variation, residue mobility, and thermodynamic stability) indicates that this missense variant is expected to disrupt SGCG protein function with a positive predictive value of 80%. In summary, the available evidence is currently insufficient to determine the role of this variant in disease. Therefore, it has been classified as a Variant of Uncertain Significance.

Natera, Inc.
Classification: Uncertain significance for Limb-girdle muscular dystrophy type 2C. Last evaluated: 2020-02-21. Review status: no assertion criteria provided. Collection method: clinical testing. Allele origin: germline. Not counted in ClinVar's aggregate classification.

NM_000231.3(SGCG):c.529C>T (p.His177Tyr)

Gene: SGCG (sarcoglycan gamma; plus strand). Cytogenetic location: 13q12.12.
Variant type: single nucleotide variant.
Coding change: c.529C>T on transcript NM_000231.3 (MANE Select); coding-DNA position 529, C replaced by T.
Protein change: p.His177Tyr; replaces histidine 177 with tyrosine.
Molecular consequence: missense variant.
Genome position (GRCh38, 1-based): chr13:23,295,438, C>T. VCF-style: chr13-23295438-C-T. GRCh37 (hg19) VCF-style: chr13-23869577-C-T.
Other names: c.583C>T, p.His195Tyr (NM_001378244.1); c.529C>T, p.His177Tyr (NM_001378245.1, NM_001378246.1); short protein forms H177Y, H195Y.
Identifiers: ClinVar variation 966298 (VCV000966298.8), dbSNP rs375592456, ClinGen allele CA6909731.